The following is an entry in ClinVar:

ClinVar aggregate classification (germline): Likely benign. Review status: criteria provided, multiple submitters, no conflicts (2 of 4 stars). 2 submissions from 2 submitters: Likely benign (2). Last evaluated 2025-12-15.

Conditions:
MCM3AP-related disorder. Also called: MCM3AP-related condition.

Allele frequency attached by ClinVar (database versions not stated): ExAC 0.00003; gnomAD exomes 0.00004 and 0.00010; gnomAD 0.00005 and 0.00006; TOPMed 0.00005.
gnomAD v4.1: 156 of 1,614,050 alleles (0.0097%); highest among the groups gnomAD compares: Non-Finnish European, 0.013%; no homozygotes.

Submissions (2):

Labcorp Genetics (formerly Invitae), Labcorp
Classification: Likely benign. Last evaluated: 2025-12-15. Review status: criteria provided, single submitter. Criteria: Invitae Variant Classification Sherloc (09022015). Collection method: clinical testing. Allele origin: germline.

PreventionGenetics, part of Exact Sciences
Classification: Likely benign for MCM3AP-related condition. Last evaluated: 2025-02-03. Review status: criteria provided, single submitter. Criteria: ACMG Guidelines, 2015. Collection method: clinical testing. Allele origin: germline.
Comment: This variant is classified as likely benign based on ACMG/AMP sequence variant interpretation guidelines (Richards et al. 2015 PMID: 25741868, with internal and published modifications).

NM_003906.5(MCM3AP):c.1932G>A (p.Lys644=)

Gene: MCM3AP (minichromosome maintenance complex component 3 associated protein; minus strand). Cytogenetic location: 21q22.3.
Variant type: single nucleotide variant.
Coding change: c.1932G>A on transcript NM_003906.5 (MANE Select); coding-DNA position 1932, G replaced by A.
Protein change: p.Lys644=; no amino-acid change (lysine 644 retained).
Molecular consequence: synonymous variant.
Genome position (GRCh38, 1-based): chr21:46,275,252, C>T on the plus strand (G>A on the coding strand, the complement: MCM3AP is on the minus strand). VCF-style: chr21-46275252-C-T. GRCh37 (hg19) VCF-style: chr21-47695166-C-T.
Other names: c.1932G>A (NM_003906.4).
Identifiers: ClinVar variation 1551208 (VCV001551208.9), dbSNP rs780047296, ClinGen allele CA10076935.